The following is an entry in ClinVar:

ClinVar aggregate classification (germline): Likely benign (1 of 4 stars; one submission).

Conditions:
PHF6-related disorder. Also called: PHF6-related condition.

gnomAD v4.1: 14 of 1,206,775 alleles (0.0012%); highest among the groups gnomAD compares: Non-Finnish European, 0.0016%; no homozygotes.

Submission:

PreventionGenetics, part of Exact Sciences
Classification: Likely benign for PHF6-related condition. Last evaluated: 2024-11-02. Review status: criteria provided, single submitter. Criteria: ACMG Guidelines, 2015. Collection method: clinical testing. Allele origin: germline.
Comment: This variant is classified as likely benign based on ACMG/AMP sequence variant interpretation guidelines (Richards et al. 2015 PMID: 25741868, with internal and published modifications).

NM_001015877.2(PHF6):c.-8T>G

Gene: PHF6 (PHD finger protein 6; plus strand). Cytogenetic location: Xq26.2.
Variant type: single nucleotide variant.
Coding change: c.-8T>G on transcript NM_001015877.2 (MANE Select); 8 bases upstream of the start codon, T replaced by G.
Molecular consequence: 5 prime UTR variant.
Genome position (GRCh38, 1-based): chrX:134,377,610, T>G. VCF-style: chrX-134377610-T-G. GRCh37 (hg19) VCF-style: chrX-133511640-T-G.
Other names: c.-8T>G (NM_032335.3, NM_032458.3).
Identifiers: ClinVar variation 4982904 (VCV004982904.1).